The following is an entry in ClinVar:

NM_001006630.2(CHRM2):c.456C>T (p.Phe152=)

Genes: CHRM2 (cholinergic receptor muscarinic 2; plus strand), LOC349160 (uncharacterized LOC349160; minus strand). Cytogenetic location: 7q33.
Variant type: single nucleotide variant.
Coding change: c.456C>T on transcript NM_001006630.2 (MANE Select); coding-DNA position 456, C replaced by T.
Protein change: p.Phe152=; no amino-acid change (phenylalanine 152 retained).
Molecular consequence: synonymous variant.
Genome position (GRCh38, 1-based): chr7:137,015,321, C>T. VCF-style: chr7-137015321-C-T. GRCh37 (hg19) VCF-style: chr7-136700068-C-T.
Other names: c.456C>T, p.Phe152= (NM_000739.3, NM_001006626.3, NM_001006627.3 and 6 more transcripts).
Identifiers: ClinVar variation 478115 (VCV000478115.12), dbSNP rs148163637, ClinGen allele CA4500530.
Genomic context (GRCh38, chr7:137,015,321, plus strand): 5'-AGTCAAGCGGACCACAAAAATGGCAGGTATGATGATTGCAGCTGCCTGGGTCCTCTCTTT[C>T]ATCCTCTGGGCTCCAGCCATTCTCTTCTGGCAGTTCATTGTAGGGGTGAGAACTGTGGAG-3'
Protein context (NP_001006631.1, residues 142-162): MMIAAAWVLS[Phe152=]ILWAPAILFW

ClinVar aggregate classification (germline): Benign. Review status: criteria provided, multiple submitters, no conflicts (2 of 4 stars). 2 submissions from 2 submitters: Benign (2). Last evaluated 2026-01-18.

Allele frequency attached by ClinVar (database versions not stated): gnomAD 0.00038 and 0.00064; gnomAD exomes 0.00053 and 0.00141; TOPMed 0.00090; ExAC 0.00130; 1000 Genomes Project 30x 0.00141; 1000 Genomes Project 0.00160.
gnomAD v4.1: 880 of 1,613,396 alleles (0.055%); highest among the groups gnomAD compares: East Asian, 1.3%; 7 homozygotes.

Submissions (2):

Labcorp Genetics (formerly Invitae), Labcorp
Classification: Benign. Last evaluated: 2026-01-18. Review status: criteria provided, single submitter. Criteria: Invitae Variant Classification Sherloc (09022015). Collection method: clinical testing. Allele origin: germline.

GeneDx
Classification: Benign. Last evaluated: 2017-06-30. Review status: criteria provided, single submitter. Criteria: GeneDx Variant Classification (06012015). Collection method: clinical testing. Allele origin: germline. Affected: yes.
Comment: This variant is considered likely benign or benign based on one or more of the following criteria: it is a conservative change, it occurs at a poorly conserved position in the protein, it is predicted to be benign by multiple in silico algorithms, and/or has population frequency not consistent with disease.